The following is an entry in ClinVar:

NM_138694.4(PKHD1):c.4168C>T (p.Arg1390Trp)

Gene: PKHD1 (PKHD1 ciliary IPT domain containing fibrocystin/polyductin; minus strand). Cytogenetic location: 6p12.2.
Variant type: single nucleotide variant.
Coding change: c.4168C>T on transcript NM_138694.4 (MANE Select); coding-DNA position 4168, C replaced by T.
Protein change: p.Arg1390Trp; replaces arginine 1390 with tryptophan.
Molecular consequence: missense variant.
Genome position (GRCh38, 1-based): chr6:52,025,642, G>A on the plus strand (C>T on the coding strand, the complement: PKHD1 is on the minus strand). VCF-style: chr6-52025642-G-A. GRCh37 (hg19) VCF-style: chr6-51890440-G-A.
Other names: c.4168C>T, p.Arg1390Trp (NM_170724.3); short protein forms R1390W.
Identifiers: ClinVar variation 5009682 (VCV005009682.1).

ClinVar aggregate classification (germline): Uncertain significance (1 of 4 stars; one submission).

gnomAD v4.1: 23 of 1,614,028 alleles (0.0014%); highest among the groups gnomAD compares: Admixed American, 0.012%; no homozygotes.

Submission:

GeneDx
Classification: Uncertain significance. Last evaluated: 2026-02-19. Review status: criteria provided, single submitter. Criteria: GeneDx Variant Classification Process June 2021. Collection method: clinical testing. Allele origin: germline.
Comment: Not observed at significant frequency in large population cohorts (gnomAD); In silico analysis suggests that this missense variant does not alter protein structure/function; Has not been previously published as pathogenic or benign to our knowledge